The following is an entry in ClinVar:

ClinVar aggregate classification (germline): Uncertain significance (1 of 4 stars; one submission).

Conditions:
Primary dilated cardiomyopathy (DCM). Also called: Dilated Cardiomyopathy. Identifiers: Orphanet 217604, MedGen C0007193, MeSH D002311, MONDO:0005021, HP:0001644. Inheritance: Various modes of inheritance.

Allele frequency attached by ClinVar (database versions not stated): gnomAD 0.00001; TOPMed 0.00001; ExAC 0.00001.
gnomAD v4.1: 7 of 1,602,052 alleles (0.00044%); highest among the groups gnomAD compares: Non-Finnish European, 0.0006%; no homozygotes.

Submission:

Labcorp Genetics (formerly Invitae), Labcorp
Classification: Uncertain significance for Primary dilated cardiomyopathy. Last evaluated: 2022-03-18. Review status: criteria provided, single submitter. Criteria: Invitae Variant Classification Sherloc (09022015). Collection method: clinical testing. Allele origin: germline.
Comment: This sequence change falls in intron 16 of the NEBL gene. It does not directly change the encoded amino acid sequence of the NEBL protein. It affects a nucleotide within the consensus splice site. This variant is present in population databases (rs751159249, gnomAD 0.005%). This variant has not been reported in the literature in individuals affected with NEBL-related conditions. Variants that disrupt the consensus splice site are a relatively common cause of aberrant splicing (PMID: 17576681, 9536098). Algorithms developed to predict the effect of sequence changes on RNA splicing suggest that this variant may disrupt the consensus splice site. In summary, the available evidence is currently insufficient to determine the role of this variant in disease. Therefore, it has been classified as a Variant of Uncertain Significance.

Literature cited by the submitters: PubMed 17576681; PubMed 9536098.

NM_006393.3(NEBL):c.1671+5G>C

Gene: NEBL (nebulette; minus strand). Cytogenetic location: 10p12.31.
Variant type: single nucleotide variant.
Coding change: c.1671+5G>C on transcript NM_006393.3 (MANE Select); 5 bases into the intron after coding-DNA position 1671, G replaced by C.
Molecular consequence: intron variant.
Genome position (GRCh38, 1-based): chr10:20,831,191, C>G on the plus strand (G>C on the coding strand, the complement: NEBL is on the minus strand). VCF-style: chr10-20831191-C-G. GRCh37 (hg19) VCF-style: chr10-21120120-C-G.
Other names: c.250-18251G>C (NM_001377326.1, NM_001377327.1, NM_001377328.1); c.358-18251G>C (NM_213569.2, NM_001173484.2, NM_001377322.1); c.301-18251G>C (NM_001377324.1); c.292-18251G>C (NM_001377325.1); c.310-18251G>C (NM_001377323.1).
Identifiers: ClinVar variation 2421410 (VCV002421410.8), dbSNP rs751159249, ClinGen allele CA5432790.
Genomic context (GRCh38, chr10:20,831,191, plus strand): 5'-ATACAAAGCACATGGCAACATGACATTGGAATACACGATTCTGAGCATCTTCATTCATGA[C>G]CAACCTGGCTATAGATTTCAGATGTCCTCTTGGCTCGAAGGATATCTGGGATATCCATGC-3'